The following is an entry in ClinVar:

ClinVar aggregate classification (germline): Uncertain significance (1 of 4 stars; one submission).

Allele frequency attached by ClinVar (database versions not stated): gnomAD exomes below 0.00001; TOPMed below 0.00001; gnomAD 0.00001.
gnomAD v4.1: 3 of 1,612,814 alleles (0.00019%); highest among the groups gnomAD compares: Middle Eastern, 0.016%; no homozygotes.

Submission:

GeneDx
Classification: Uncertain significance. Last evaluated: 2023-12-07. Review status: criteria provided, single submitter. Criteria: GeneDx Variant Classification Process June 2021. Collection method: clinical testing. Allele origin: germline. Affected: yes.
Comment: Not observed at significant frequency in large population cohorts (gnomAD); Nucleotide is not conserved across species and the substitution has no predicted effect on splicing; Has not been previously published as pathogenic or benign to our knowledge

NM_001040436.3(YARS2):c.-5C>G

Gene: YARS2 (tyrosyl-tRNA synthetase 2; minus strand). Cytogenetic location: 12p11.21.
Variant type: single nucleotide variant.
Coding change: c.-5C>G on transcript NM_001040436.3 (MANE Select); 5 bases upstream of the start codon, C replaced by G.
Molecular consequence: 5 prime UTR variant.
Genome position (GRCh38, 1-based): chr12:32,755,879, G>C on the plus strand (C>G on the coding strand, the complement: YARS2 is on the minus strand). VCF-style: chr12-32755879-G-C. GRCh37 (hg19) VCF-style: chr12-32908813-G-C.
Identifiers: ClinVar variation 3252331 (VCV003252331.1), dbSNP rs1032052503.
Genomic context (GRCh38, chr12:32,755,879, plus strand): 5'-TTTAGGGTACCAGACCACCGGCCCCAGGAAAAGGACCGCAAGATGGGCGCCGCCATCTTG[G>C]TAGCGGCACGAAGGGAATGCTGGGATTGCAGAGGCTCCCACCACACCCACCTACTTACAG-3'